The following is an entry in ClinVar:

NM_032409.3(PINK1):c.938C>T (p.Thr313Met)

Genes: PINK1 (PTEN induced kinase 1; plus strand), PINK1-AS (PINK1 antisense RNA; minus strand). Cytogenetic location: 1p36.12.
Variant type: single nucleotide variant.
Coding change: c.938C>T on transcript NM_032409.3 (MANE Select); coding-DNA position 938, C replaced by T.
Protein change: p.Thr313Met; replaces threonine 313 with methionine.
Molecular consequence: missense variant.
Genome position (GRCh38, 1-based): chr1:20,644,651, C>T. VCF-style: chr1-20644651-C-T. GRCh37 (hg19) VCF-style: chr1-20971144-C-T.
Other names: short protein forms T313M.
Identifiers: ClinVar variation 2413 (VCV000002413.11), dbSNP rs74315359, ClinGen allele CA252276.

ClinVar aggregate classification (germline): Pathogenic/Likely pathogenic. Review status: criteria provided, multiple submitters, no conflicts (2 of 4 stars). 4 submissions from 4 submitters: Pathogenic (2); Likely pathogenic (1). 1 of the submissions does not count toward it. Last evaluated 2024-06-20.

Conditions:
PINK1-related disorder. Also called: PINK1-related condition.
Autosomal recessive early-onset Parkinson disease 6 (PARK6). Also called: PARKINSON DISEASE 6, EARLY-ONSET; PINK1-Related Parkinson Disease; PARKINSON DISEASE 6, MODIFIER OF; PINK1 Type of Young-Onset Parkinson Disease. Identifiers: Orphanet 2828, MedGen C1853833, MONDO:0011613, OMIM 605909.

Allele frequency attached by ClinVar (database versions not stated): ExAC 0.00001; gnomAD 0.00001 and 0.00003; gnomAD exomes 0.00001 and 0.00002; TOPMed 0.00002; 1000 Genomes Project 30x 0.00016; 1000 Genomes Project 0.00020.
gnomAD v4.1: 22 of 1,614,228 alleles (0.0014%); highest among the groups gnomAD compares: East Asian, 0.016%; no homozygotes.

Submissions (4):

Blueprint Genetics
Classification: Pathogenic for PINK1-related disorders. Last evaluated: 2024-06-20. Review status: criteria provided, single submitter. Criteria: ACMG Guidelines, 2015. Collection method: clinical testing. Allele origin: germline. Affected: yes. Observed: 1 variant allele.

Genomic Medicine Center of Excellence, King Faisal Specialist Hospital and Research Centre
Classification: Likely pathogenic for Autosomal recessive early-onset Parkinson disease 6. Last evaluated: 2024-03-26. Review status: criteria provided, single submitter. Criteria: ACMG Guidelines, 2015. Collection method: clinical testing. Allele origin: germline.

Labcorp Genetics (formerly Invitae), Labcorp
Classification: Pathogenic for Autosomal recessive early-onset Parkinson disease 6. Last evaluated: 2023-10-03. Review status: criteria provided, single submitter. Criteria: Invitae Variant Classification Sherloc (09022015). Collection method: clinical testing. Allele origin: germline.
Comment: This sequence change replaces threonine, which is neutral and polar, with methionine, which is neutral and non-polar, at codon 313 of the PINK1 protein (p.Thr313Met). This variant is present in population databases (rs74315359, gnomAD 0.01%). This missense change has been observed in individuals with autosomal recessive early-onset Parkinson disease (PMID: 18541801, 18785233, 26274610). It has also been observed to segregate with disease in related individuals. ClinVar contains an entry for this variant (Variation ID: 2413). Advanced modeling of protein sequence and biophysical properties (such as structural, functional, and spatial information, amino acid conservation, physicochemical variation, residue mobility, and thermodynamic stability) performed at Invitae indicates that this missense variant is expected to disrupt PINK1 protein function. Experimental studies have shown that this missense change affects PINK1 function (PMID: 22238344, 23303188, 23459931, 29255601). For these reasons, this variant has been classified as Pathogenic.

OMIM
Classification: Pathogenic for PARKINSON DISEASE 6, AUTOSOMAL RECESSIVE EARLY-ONSET. Last evaluated: 2006-10-01. Review status: no assertion criteria provided. Collection method: literature only. Allele origin: germline. Not counted in ClinVar's aggregate classification.

Literature cited by the submitters: PubMed 18541801 (cited by Labcorp Genetics (formerly Invitae), Labcorp); PubMed 18785233 (cited by Labcorp Genetics (formerly Invitae), Labcorp); PubMed 26274610 (cited by Labcorp Genetics (formerly Invitae), Labcorp); PubMed 22238344 (cited by Labcorp Genetics (formerly Invitae), Labcorp); PubMed 23303188 (cited by Labcorp Genetics (formerly Invitae), Labcorp); PubMed 23459931 (cited by Labcorp Genetics (formerly Invitae), Labcorp); PubMed 29255601 (cited by Labcorp Genetics (formerly Invitae), Labcorp); PubMed 17030667 (cited by OMIM).